The following is an entry in ClinVar:

NM_130849.4(SLC39A4):c.862del (p.Gly287_Val288insTer)

Gene: SLC39A4 (solute carrier family 39 member 4; minus strand). Cytogenetic location: 8q24.3.
Variant type: Deletion.
Coding change: c.862del on transcript NM_130849.4 (MANE Select); coding-DNA position 862, one base deleted (G; older notation c.862delG).
Protein change: p.Gly287_Val288insTer.
Molecular consequence: nonsense.
Genome position (GRCh38, 1-based): chr8:144,414,839, C deleted on the plus strand (G on the coding strand, the reverse complement: SLC39A4 is on the minus strand); the first of 4 consecutive C bases (chr8:144,414,839-144,414,842); deleting any one gives the same sequence. VCF-style (leftmost placement, unchanged base first): chr8-144414838-AC-A. GRCh37 (hg19) VCF-style: chr8-145640222-AC-A.
Other names: c.580del, p.Gly193_Val194insTer (NM_001374839.1); c.787del, p.Gly262_Val263insTer (NM_017767.3).
Identifiers: ClinVar variation 1456654 (VCV001456654.7), dbSNP rs2130799141, ClinGen allele CA2573143013.

ClinVar aggregate classification (germline): Pathogenic/Likely pathogenic. Review status: criteria provided, multiple submitters, no conflicts (2 of 4 stars). 2 submissions from 2 submitters: Pathogenic (1); Likely pathogenic (1). Last evaluated 2021-10-25.

Conditions:
Hereditary acrodermatitis enteropathica (AEZ). Also called: Acrodermatitis enteropathica. Identifiers: Orphanet 37, MedGen C0221036, MONDO:0008713, OMIM 201100.

Submissions (2):

Labcorp Genetics (formerly Invitae), Labcorp
Classification: Pathogenic. Last evaluated: 2021-10-25. Review status: criteria provided, single submitter. Criteria: Invitae Variant Classification Sherloc (09022015). Collection method: clinical testing. Allele origin: germline.
Comment: For these reasons, this variant has been classified as Pathogenic. Algorithms developed to predict the effect of sequence changes on RNA splicing suggest that this variant may create or strengthen a splice site. This variant has not been reported in the literature in individuals affected with SLC39A4-related conditions. This variant is not present in population databases (gnomAD no frequency). This sequence change creates a premature translational stop signal (p.Val288*) in the SLC39A4 gene. It is expected to result in an absent or disrupted protein product. Loss-of-function variants in SLC39A4 are known to be pathogenic (PMID: 12955721).

Fulgent Genetics
Classification: Likely pathogenic for Hereditary acrodermatitis enteropathica. Last evaluated: 2021-07-14. Review status: criteria provided, single submitter. Criteria: ACMG Guidelines, 2015. Collection method: clinical testing. Allele origin: unknown.

Literature cited by the submitters: PubMed 12955721 (cited by Labcorp Genetics (formerly Invitae), Labcorp).